The following is an entry in ClinVar:

NM_001130987.2(DYSF):c.4280G>T (p.Arg1427Leu)

Gene: DYSF (dysferlin; plus strand). Cytogenetic location: 2p13.2.
Variant type: single nucleotide variant.
Coding change: c.4280G>T on transcript NM_001130987.2 (MANE Select); coding-DNA position 4280, G replaced by T.
Protein change: p.Arg1427Leu; replaces arginine 1427 with leucine.
Molecular consequence: missense variant.
Genome position (GRCh38, 1-based): chr2:71,612,699, G>T. VCF-style: chr2-71612699-G-T. GRCh37 (hg19) VCF-style: chr2-71839829-G-T.
Other names: c.4229G>T, p.Arg1410Leu (NM_001130455.2, NM_001130983.2); c.4184G>T, p.Arg1395Leu (NM_001130976.2, NM_001130977.2); c.4226G>T, p.Arg1409Leu (NM_001130978.2, NM_003494.4); c.4319G>T, p.Arg1440Leu (NM_001130979.2); c.4277G>T, p.Arg1426Leu (NM_001130980.2, NM_001130981.2); c.4322G>T, p.Arg1441Leu (NM_001130982.2); c.4187G>T, p.Arg1396Leu (NM_001130984.2, NM_001130986.2); c.4280G>T, p.Arg1427Leu (NM_001130985.2); short protein forms R1395L, R1409L, R1440L, R1396L, R1441L, R1410L, R1426L, R1427L.
Identifiers: ClinVar variation 1977349 (VCV001977349.5), dbSNP rs758688467, ClinGen allele CA1706952.

ClinVar aggregate classification (germline): Uncertain significance (1 of 4 stars; one submission).

Conditions:
Neuromuscular disease caused by qualitative or quantitative defects of dysferlin. Also called: Qualitative or quantitative defects of dysferlin; Dysferlinopathy. Identifiers: Orphanet 207073, MedGen C2931687, MONDO:0016145.

gnomAD v4.1: 4 of 1,614,160 alleles (0.00025%); highest among the groups gnomAD compares: South Asian, 0.0011%; no homozygotes.

Submission:

Labcorp Genetics (formerly Invitae), Labcorp
Classification: Uncertain significance for Neuromuscular disease caused by qualitative or quantitative defects of dysferlin. Last evaluated: 2026-01-19. Review status: criteria provided, single submitter. Criteria: Invitae Variant Classification Sherloc (09022015). Collection method: clinical testing. Allele origin: germline.
Comment: This sequence change replaces arginine, which is basic and polar, with leucine, which is neutral and non-polar, at codon 1409 of the DYSF protein (p.Arg1409Leu). This variant is present in population databases (rs758688467, gnomAD 0.01%). This variant has not been reported in the literature in individuals affected with DYSF-related conditions. ClinVar contains an entry for this variant (Variation ID: 1977349). Invitae Evidence Modeling of protein sequence and biophysical properties (such as structural, functional, and spatial information, amino acid conservation, physicochemical variation, residue mobility, and thermodynamic stability) has been performed for this missense variant. However, the output from this modeling did not meet the statistical confidence thresholds required to predict the impact of this variant on DYSF protein function. In summary, the available evidence is currently insufficient to determine the role of this variant in disease. Therefore, it has been classified as a Variant of Uncertain Significance.